The following is an entry in ClinVar:

ClinVar aggregate classification (germline): Uncertain significance (1 of 4 stars; one submission).

Conditions:
Biotin-responsive basal ganglia disease (BTBGD). Also called: THIAMINE METABOLISM DYSFUNCTION SYNDROME 2 (BIOTIN- AND THIAMINE-RESPONSIVE TYPE); Thiamine Transporter-2 Deficiency; Thiamine metabolism dysfunction syndrome 2 (biotin- or thiamine-responsive encephalopathy type 2); thiamine-responsive encephalopathy; Thiamine metabolism dysfunction syndrome type 2. Identifiers: Orphanet 199348, Orphanet 65284, MedGen C1843807, MONDO:0011841, OMIM 607483.

Submission:

Labcorp Genetics (formerly Invitae), Labcorp
Classification: Uncertain significance for Biotin-responsive basal ganglia disease. Last evaluated: 2024-10-28. Review status: criteria provided, single submitter. Criteria: Invitae Variant Classification Sherloc (09022015). Collection method: clinical testing. Allele origin: germline.
Comment: This sequence change replaces methionine, which is neutral and non-polar, with leucine, which is neutral and non-polar, at codon 384 of the SLC19A3 protein (p.Met384Leu). This variant is not present in population databases (gnomAD no frequency). This variant has not been reported in the literature in individuals affected with SLC19A3-related conditions. ClinVar contains an entry for this variant (Variation ID: 1388028). Invitae Evidence Modeling of protein sequence and biophysical properties (such as structural, functional, and spatial information, amino acid conservation, physicochemical variation, residue mobility, and thermodynamic stability) has been performed for this missense variant. However, the output from this modeling did not meet the statistical confidence thresholds required to predict the impact of this variant on SLC19A3 protein function. In summary, the available evidence is currently insufficient to determine the role of this variant in disease. Therefore, it has been classified as a Variant of Uncertain Significance.

NM_025243.4(SLC19A3):c.1150A>T (p.Met384Leu)

Gene: SLC19A3 (solute carrier family 19 member 3; minus strand). Cytogenetic location: 2q36.3.
Variant type: single nucleotide variant.
Coding change: c.1150A>T on transcript NM_025243.4 (MANE Select); coding-DNA position 1150, A replaced by T.
Protein change: p.Met384Leu; replaces methionine 384 with leucine.
Molecular consequence: missense variant.
Genome position (GRCh38, 1-based): chr2:227,695,911, T>A on the plus strand (A>T on the coding strand, the complement: SLC19A3 is on the minus strand). VCF-style: chr2-227695911-T-A. GRCh37 (hg19) VCF-style: chr2-228560627-T-A.
Other names: c.1150A>T, p.Met384Leu (NM_001371411.1, NM_001371412.1); c.1138A>T, p.Met380Leu (NM_001371413.1, NM_001371414.1); short protein forms M380L, M384L.
Identifiers: ClinVar variation 1388028 (VCV001388028.7), dbSNP rs1473191700, ClinGen allele CA350875678.
Genomic context (GRCh38, chr2:227,695,911, plus strand): 5'-AATACAGTTCAGTTTTAGGAGTGGTTGGTAAAACTTACACTGCTATGGTTATAAGAAGCA[T>A]ATAGCTGGACTTGAATATCAAATAGCCAGCATAGCACGCCCAGATATTGGCTGTGTAATG-3'
Protein context (NP_079519.1, residues 374-394): AGYLIFKSSY[Met384Leu]LLITIAVFQI